The following is an entry in ClinVar:

ClinVar aggregate classification (germline): Likely benign (1 of 4 stars; one submission).

Conditions:
LRRC45-related disorder. Also called: LRRC45-related condition.

gnomAD v4.1: 2 of 1,610,474 alleles (0.00012%); highest among the groups gnomAD compares: Non-Finnish European, 0.00017%; no homozygotes.

Submission:

PreventionGenetics, part of Exact Sciences
Classification: Likely benign for LRRC45-related condition. Last evaluated: 2025-08-10. Review status: criteria provided, single submitter. Criteria: ACMG Guidelines, 2015. Collection method: clinical testing. Allele origin: germline.
Comment: This variant is classified as likely benign based on ACMG/AMP sequence variant interpretation guidelines (Richards et al. 2015 PMID: 25741868, with internal and published modifications).

NM_144999.4(LRRC45):c.1308+5C>T

Gene: LRRC45 (leucine rich repeat containing 45; plus strand). Cytogenetic location: 17q25.3.
Variant type: single nucleotide variant.
Coding change: c.1308+5C>T on transcript NM_144999.4 (MANE Select); 5 bases into the intron after coding-DNA position 1308, C replaced by T.
Molecular consequence: intron variant.
Genome position (GRCh38, 1-based): chr17:82,028,688, C>T. VCF-style: chr17-82028688-C-T. GRCh37 (hg19) VCF-style: chr17-79986564-C-T.
Identifiers: ClinVar variation 5000172 (VCV005000172.1).